The following is an entry in ClinVar:

ClinVar aggregate classification (germline): Pathogenic (0 of 4 stars; one submission).

Conditions:
Aplastic anemia. Identifiers: Orphanet 182040, Orphanet 88, MedGen C0002874, MONDO:0015909, OMIM 609135, HP:0001915.

Submission:

GeneReviews
Classification: Pathogenic for Dyskeratosis Congenita. Last evaluated: 2012-05-10. Review status: no assertion criteria provided. Collection method: curation. Allele origin: unknown.
ClinVar note: Converted during submission from pathologic to Pathogenic.

NR_001566.3(TERC):n.305G>A

Genes: TERC (telomerase RNA component; minus strand), LOC110806306 (telomerase RNA component (TERC) promoter; plus strand). Cytogenetic location: 3q26.2.
Variant type: single nucleotide variant.
Genome position: GRCh38 VCF-style: chr3-169764756-C-T. GRCh37 (hg19) VCF-style: chr3-169482544-C-T.
Other names: NR_001566.1:r.305g>a (G305A).
Identifiers: ClinVar variation 39289 (VCV000039289.3), dbSNP rs199422279, ClinGen allele CA343761.